The following is an entry in ClinVar:

NM_002294.3(LAMP2):c.64+16C>T

Gene: LAMP2 (lysosome associated membrane protein 2; minus strand). Cytogenetic location: Xq24.
Variant type: single nucleotide variant.
Coding change: c.64+16C>T on transcript NM_002294.3 (MANE Select); 16 bases into the intron after coding-DNA position 64, C replaced by T.
Molecular consequence: intron variant.
Genome position (GRCh38, 1-based): chrX:120,469,090, G>A on the plus strand (C>T on the coding strand, the complement: LAMP2 is on the minus strand). VCF-style: chrX-120469090-G-A. GRCh37 (hg19) VCF-style: chrX-119602945-G-A.
Other names: c.64+16C>T (NM_001122606.1, NM_013995.2).
Identifiers: ClinVar variation 930936 (VCV000930936.3), dbSNP rs780307352, ClinGen allele CA1139667767.

ClinVar aggregate classification (germline): Uncertain significance (1 of 4 stars; one submission).

Conditions:
Danon disease. Also called: Glycogen Storage Disease Type IIb; GSD IIb; LYSOSOMAL GLYCOGEN STORAGE DISEASE WITHOUT ACID MALTASE DEFICIENCY; PSEUDOGLYCOGENOSIS II; ANTOPOL DISEASE. Identifiers: Orphanet 34587, MedGen C0878677, MONDO:0010281, OMIM 300257.

Allele frequency attached by ClinVar (database versions not stated): TOPMed below 0.00001.
gnomAD v4.1: 1 of 1,209,475 alleles (0.000083%); highest among the groups gnomAD compares: Non-Finnish European, 0.00011%; no homozygotes.

Submission:

Centre for Mendelian Genomics, University Medical Centre Ljubljana
Classification: Uncertain significance for Danon disease. Last evaluated: 2020-03-26. Review status: criteria provided, single submitter. Criteria: ACMG Guidelines, 2015. Collection method: clinical testing. Allele origin: unknown. Affected: yes.
Comment: This variant was classified as: Uncertain significance. The available evidence on this variant's pathogenicity is insufficient or conflicting. The following ACMG criteria were applied in classifying this variant: PM2.